The following is an entry in ClinVar:

ClinVar aggregate classification (germline): Uncertain significance (1 of 4 stars; one submission).

Conditions:
Early Myoclonic Encephalopathy. Identifiers: MedGen C0270855.

Allele frequency attached by ClinVar (database versions not stated): gnomAD exomes 0.00003 and 0.00005; ExAC 0.00004; gnomAD 0.00003; TOPMed 0.00004.

Submission:

Labcorp Genetics (formerly Invitae), Labcorp
Classification: Uncertain significance for Early Myoclonic Encephalopathy. Last evaluated: 2025-08-11. Review status: criteria provided, single submitter. Criteria: Invitae Variant Classification Sherloc (09022015). Collection method: clinical testing. Allele origin: germline.
Comment: This variant, c.6082_6084del, results in the deletion of 1 amino acid(s) of the JMJD1C protein (p.Lys2028del), but otherwise preserves the integrity of the reading frame. This variant is present in population databases (rs768631769, gnomAD 0.08%), and has an allele count higher than expected for a pathogenic variant. This variant has not been reported in the literature in individuals affected with JMJD1C-related conditions. ClinVar contains an entry for this variant (Variation ID: 1004828). Experimental studies and prediction algorithms are not available or were not evaluated, and the functional significance of this variant is currently unknown. In summary, the available evidence is currently insufficient to determine the role of this variant in disease. Therefore, it has been classified as a Variant of Uncertain Significance.

NM_032776.3(JMJD1C):c.6082_6084del (p.Lys2028del)

Gene: JMJD1C (jumonji domain containing 1C; minus strand). Cytogenetic location: 10q21.3.
Variant type: Deletion.
Coding change: c.6082_6084del on transcript NM_032776.3 (MANE Select); coding-DNA positions 6082 to 6084, 3 bases deleted (AAA; older notation c.6082_6084delAAA).
Protein change: p.Lys2028del; deletes lysine 2028.
Molecular consequence: inframe deletion. On other transcripts: non-coding transcript variant (1).
Genome position (GRCh38, 1-based): chr10:63,191,101-63,191,103, TTT deleted on the plus strand (AAA on the coding strand, the reverse complement: JMJD1C is on the minus strand). VCF-style (leftmost placement, unchanged base first): chr10-63191100-CTTT-C. GRCh37 (hg19) VCF-style: chr10-64950860-CTTT-C.
Other names: c.5536_5538del, p.Lys1846del (NM_001282948.2, NM_001318154.2); c.5218_5220del, p.Lys1740del (NM_001318153.2); c.5968_5970del, p.Lys1990del (NM_001322252.2); c.5425_5427del, p.Lys1809del (NM_001322254.2, NM_001322258.2); short protein forms K1740del, K1809del, K1846del, K1990del, K2028del.
Identifiers: ClinVar variation 1004828 (VCV001004828.8), dbSNP rs768631769, ClinGen allele CA5517937.